The following is an entry in ClinVar:

ClinVar aggregate classification (germline): Pathogenic (1 of 4 stars; one submission).

Submission:

Labcorp Genetics (formerly Invitae), Labcorp
Classification: Pathogenic. Last evaluated: 2025-11-23. Review status: criteria provided, single submitter. Criteria: Invitae Variant Classification Sherloc (09022015). Collection method: clinical testing. Allele origin: germline.
Comment: This sequence change replaces isoleucine, which is neutral and non-polar, with threonine, which is neutral and polar, at codon 1100 of the ABCA4 protein (p.Ile1100Thr). This variant is not present in population databases (gnomAD no frequency). This missense change has been observed in individual(s) with Stargardt disease (PMID: 32619606). ClinVar contains an entry for this variant (Variation ID: 1019412). Invitae Evidence Modeling of protein sequence and biophysical properties (such as structural, functional, and spatial information, amino acid conservation, physicochemical variation, residue mobility, and thermodynamic stability) indicates that this missense variant is expected to disrupt ABCA4 protein function with a positive predictive value of 95%. This variant disrupts the p.Ile1100 amino acid residue in ABCA4. Other variant(s) that disrupt this residue have been determined to be pathogenic (PMID: 23982839, 28041643; internal data). This suggests that this residue is clinically significant, and that variants that disrupt this residue are likely to be disease-causing. For these reasons, this variant has been classified as Pathogenic.

Literature cited by the submitters: PubMed 32619606; PubMed 23982839; PubMed 28041643.

NM_000350.3(ABCA4):c.3299T>C (p.Ile1100Thr)

Gene: ABCA4 (ATP binding cassette subfamily A member 4; minus strand). Cytogenetic location: 1p22.1.
Variant type: single nucleotide variant.
Coding change: c.3299T>C on transcript NM_000350.3 (MANE Select); coding-DNA position 3299, T replaced by C.
Protein change: p.Ile1100Thr; replaces isoleucine 1100 with threonine.
Molecular consequence: missense variant.
Genome position (GRCh38, 1-based): chr1:94,042,790, A>G on the plus strand (T>C on the coding strand, the complement: ABCA4 is on the minus strand). VCF-style: chr1-94042790-A-G. GRCh37 (hg19) VCF-style: chr1-94508346-A-G.
Other names: c.3077T>C, p.Ile1026Thr (NM_001425324.1); short protein forms I1100T, I1026T.
Identifiers: ClinVar variation 1019412 (VCV001019412.6), dbSNP rs1553190559, ClinGen allele CA341291994.